The following is an entry in ClinVar:

NM_025144.4(ALPK1):c.3638G>C (p.Gly1213Ala)

Gene: ALPK1 (alpha kinase 1; plus strand). Cytogenetic location: 4q25.
Variant type: single nucleotide variant.
Coding change: c.3638G>C on transcript NM_025144.4 (MANE Select); coding-DNA position 3638, G replaced by C.
Protein change: p.Gly1213Ala; replaces glycine 1213 with alanine.
Molecular consequence: missense variant.
Genome position (GRCh38, 1-based): chr4:112,441,016, G>C. VCF-style: chr4-112441016-G-C. GRCh37 (hg19) VCF-style: chr4-113362172-G-C.
Other names: c.3638G>C, p.Gly1213Ala (NM_001102406.2); c.3404G>C, p.Gly1135Ala (NM_001253884.2); short protein forms G1135A, G1213A.
Identifiers: ClinVar variation 2848916 (VCV002848916.3), dbSNP rs2476520401, ClinGen allele CA357912443.
Genomic context (GRCh38, chr4:112,441,016, plus strand): 5'-CAGATCCCCAGATTCACTCCGTTGATCAGAAAGTTTTCACTACCAATTTTGGAAAGAGAG[G>C]AATTTTTTACTTCTTTAATAACCAGCATGTGGAATGTAATGAAATCTGCCATCGTCTTTC-3'
Protein context (NP_079420.3, residues 1203-1223): KVFTTNFGKR[Gly1213Ala]IFYFFNNQHV

ClinVar aggregate classification (germline): Uncertain significance (1 of 4 stars; one submission).

Allele frequency attached by ClinVar (database versions not stated): gnomAD exomes below 0.00001.
gnomAD v4.1: 4 of 1,613,962 alleles (0.00025%); highest among the groups gnomAD compares: Non-Finnish European, 0.00034%; no homozygotes.

Submission:

Labcorp Genetics (formerly Invitae), Labcorp
Classification: Uncertain significance. Last evaluated: 2023-03-23. Review status: criteria provided, single submitter. Criteria: Invitae Variant Classification Sherloc (09022015). Collection method: clinical testing. Allele origin: germline.
Comment: In summary, the available evidence is currently insufficient to determine the role of this variant in disease. Therefore, it has been classified as a Variant of Uncertain Significance. An algorithm developed to predict the effect of missense changes on protein structure and function (PolyPhen-2) suggests that this variant is likely to be disruptive. This variant has not been reported in the literature in individuals affected with ALPK1-related conditions. This variant is not present in population databases (gnomAD no frequency). This sequence change replaces glycine, which is neutral and non-polar, with alanine, which is neutral and non-polar, at codon 1213 of the ALPK1 protein (p.Gly1213Ala).